The following is an entry in ClinVar:

ClinVar aggregate classification (germline): Uncertain significance (1 of 4 stars; one submission).

Allele frequency attached by ClinVar (database versions not stated): gnomAD exomes 0.00002; gnomAD 0.00001; ExAC 0.00003.
gnomAD v4.1: 23 of 1,564,992 alleles (0.0015%); highest among the groups gnomAD compares: Admixed American, 0.0037%; no homozygotes.

Submission:

Labcorp Genetics (formerly Invitae), Labcorp
Classification: Uncertain significance. Last evaluated: 2026-02-02. Review status: criteria provided, single submitter. Criteria: Invitae Variant Classification Sherloc (09022015). Collection method: clinical testing. Allele origin: germline.
Comment: This sequence change replaces arginine, which is basic and polar, with tryptophan, which is neutral and slightly polar, at codon 312 of the XYLT2 protein (p.Arg312Trp). The frequency data for this variant in the population databases is considered unreliable, as metrics indicate poor data quality at this position in the gnomAD database. This variant has not been reported in the literature in individuals affected with XYLT2-related conditions. ClinVar contains an entry for this variant (Variation ID: 1960187). Invitae Evidence Modeling of protein sequence and biophysical properties (such as structural, functional, and spatial information, amino acid conservation, physicochemical variation, residue mobility, and thermodynamic stability) indicates that this missense variant is not expected to disrupt XYLT2 protein function with a negative predictive value of 80%. In summary, the available evidence is currently insufficient to determine the role of this variant in disease. Therefore, it has been classified as a Variant of Uncertain Significance.

NM_022167.4(XYLT2):c.934C>T (p.Arg312Trp)

Gene: XYLT2 (xylosyltransferase 2; plus strand). Cytogenetic location: 17q21.33.
Variant type: single nucleotide variant.
Coding change: c.934C>T on transcript NM_022167.4 (MANE Select); coding-DNA position 934, C replaced by T.
Protein change: p.Arg312Trp; replaces arginine 312 with tryptophan.
Molecular consequence: missense variant.
Genome position (GRCh38, 1-based): chr17:50,354,983, C>T. VCF-style: chr17-50354983-C-T. GRCh37 (hg19) VCF-style: chr17-48432344-C-T.
Other names: short protein forms R312W.
Identifiers: ClinVar variation 1960187 (VCV001960187.5), dbSNP rs761643084, ClinGen allele CA8646313.